The following is an entry in ClinVar:

ClinVar aggregate classification (germline): Likely benign (1 of 4 stars; one submission).

Allele frequency attached by ClinVar (database versions not stated): gnomAD 0.00001 and 0.00003; ExAC 0.00001; gnomAD exomes below 0.00001.
gnomAD v4.1: 4 of 1,613,328 alleles (0.00025%); highest among the groups gnomAD compares: African/African-American, 0.0013%; no homozygotes.

Submission:

GeneDx
Classification: Likely benign. Last evaluated: 2015-09-17. Review status: criteria provided, single submitter. Criteria: GeneDx Variant Classification (06012015). Collection method: clinical testing. Allele origin: germline. Affected: yes.
Comment: This variant is considered likely benign or benign based on one or more of the following criteria: it is a conservative change, it occurs at a poorly conserved position in the protein, it is predicted to be benign by multiple in silico algorithms, and/or has population frequency not consistent with disease.

NM_000526.5(KRT14):c.1263C>T (p.Gly421=)

Gene: KRT14 (keratin 14; minus strand). Cytogenetic location: 17q21.2.
Variant type: single nucleotide variant.
Coding change: c.1263C>T on transcript NM_000526.5 (MANE Select); coding-DNA position 1263, C replaced by T.
Protein change: p.Gly421=; no amino-acid change (glycine 421 retained).
Molecular consequence: synonymous variant.
Genome position (GRCh38, 1-based): chr17:41,583,246, G>A on the plus strand (C>T on the coding strand, the complement: KRT14 is on the minus strand). VCF-style: chr17-41583246-G-A. GRCh37 (hg19) VCF-style: chr17-39739498-G-A.
Identifiers: ClinVar variation 380715 (VCV000380715.1), dbSNP rs748213506, ClinGen allele CA8562461.